The following is an entry in ClinVar:

NM_000363.5(TNNI3):c.535G>A (p.Glu179Lys)

Gene: TNNI3 (troponin I3, cardiac type; minus strand). Cytogenetic location: 19q13.42.
Variant type: single nucleotide variant.
Coding change: c.535G>A on transcript NM_000363.5 (MANE Select); coding-DNA position 535, G replaced by A.
Protein change: p.Glu179Lys; replaces glutamic acid 179 with lysine.
Molecular consequence: missense variant.
Genome position (GRCh38, 1-based): chr19:55,154,044, C>T on the plus strand (G>A on the coding strand, the complement: TNNI3 is on the minus strand). VCF-style: chr19-55154044-C-T. GRCh37 (hg19) VCF-style: chr19-55665412-C-T.
Other names: short protein forms E179K.
Identifiers: ClinVar variation 4734505 (VCV004734505.1).
Genomic context (GRCh38, chr19:55,154,044, plus strand): 5'-GCCCTTCCCCTCAGCATCCTCTTTCCTGGCCTTAGCCCACACTCACCTTCTCGGTGTCCT[C>T]CTTCTTCACCTGCTTGAGGTGGGCCCGCAGGTCCAGGGACTCCTTAGCCCGGGCCCCCAG-3'
Protein context (NP_000354.4, residues 169-189): LRAHLKQVKK[Glu179Lys]DTEKENREVG

ClinVar aggregate classification (germline): Uncertain significance (1 of 4 stars; one submission).

Conditions:
Hypertrophic cardiomyopathy. Also called: HYPERTROPHIC MYOCARDIOPATHY. Identifiers: Orphanet 217569, MedGen C0007194, MeSH D002312, MONDO:0005045, HP:0001639.

Submission:

Labcorp Genetics (formerly Invitae), Labcorp
Classification: Uncertain significance for Hypertrophic cardiomyopathy. Last evaluated: 2025-12-31. Review status: criteria provided, single submitter. Criteria: Invitae Variant Classification Sherloc (09022015). Collection method: clinical testing. Allele origin: germline.
Comment: This sequence change replaces glutamic acid, which is acidic and polar, with lysine, which is basic and polar, at codon 179 of the TNNI3 protein (p.Glu179Lys). This variant is not present in population databases (gnomAD no frequency). This variant has not been reported in the literature in individuals affected with TNNI3-related conditions. An algorithm developed to predict the effect of missense changes on protein structure and function (PolyPhen-2) suggests that this variant is likely to be tolerated. In summary, the available evidence is currently insufficient to determine the role of this variant in disease. Therefore, it has been classified as a Variant of Uncertain Significance.